The following is an entry in ClinVar:

ClinVar aggregate classification (germline): Uncertain significance (1 of 4 stars; one submission).

gnomAD v4.1: 53 of 1,613,996 alleles (0.0033%); highest among the groups gnomAD compares: African/African-American, 0.0053%; no homozygotes.

Submission:

Labcorp Genetics (formerly Invitae), Labcorp
Classification: Uncertain significance. Last evaluated: 2025-09-22. Review status: criteria provided, single submitter. Criteria: Invitae Variant Classification Sherloc (09022015). Collection method: clinical testing. Allele origin: germline.
Comment: This sequence change replaces glycine, which is neutral and non-polar, with arginine, which is basic and polar, at codon 707 of the CDH2 protein (p.Gly707Arg). This variant is present in population databases (rs200558954, gnomAD 0.002%). This variant has not been reported in the literature in individuals affected with CDH2-related conditions. An algorithm developed to predict the effect of missense changes on protein structure and function (PolyPhen-2) suggests that this variant is likely to be disruptive. In summary, the available evidence is currently insufficient to determine the role of this variant in disease. Therefore, it has been classified as a Variant of Uncertain Significance.

NM_001792.5(CDH2):c.2119G>A (p.Gly707Arg)

Gene: CDH2 (cadherin 2; minus strand). Cytogenetic location: 18q12.1.
Variant type: single nucleotide variant.
Coding change: c.2119G>A on transcript NM_001792.5 (MANE Select); coding-DNA position 2119, G replaced by A.
Protein change: p.Gly707Arg; replaces glycine 707 with arginine.
Molecular consequence: missense variant.
Genome position (GRCh38, 1-based): chr18:27,985,090, C>T on the plus strand (G>A on the coding strand, the complement: CDH2 is on the minus strand). VCF-style: chr18-27985090-C-T. GRCh37 (hg19) VCF-style: chr18-25565054-C-T.
Other names: c.2026G>A, p.Gly676Arg (NM_001308176.2); short protein forms G676R, G707R.
Identifiers: ClinVar variation 4776653 (VCV004776653.1).